The following is an entry in ClinVar:

ClinVar aggregate classification (germline): Likely pathogenic (1 of 4 stars; one submission).

Conditions:
Medium-chain acyl-coenzyme A dehydrogenase deficiency (ACADMD). Also called: ACADM DEFICIENCY; MCADD; Medium chain acyl-CoA dehydrogenase deficiency; CARNITINE DEFICIENCY SECONDARY TO MEDIUM-CHAIN ACYL-CoA DEHYDROGENASE DEFICIENCY; MCADH DEFICIENCY; MCAD Deficiency. Identifiers: Orphanet 42, MedGen C0220710, MONDO:0008721, OMIM 201450.

gnomAD v4.1: 1 of 1,613,806 alleles (0.000062%); highest among the groups gnomAD compares: Non-Finnish European, 0.000085%; no homozygotes.

Submission:

Juno Genomics, Hangzhou Juno Genomics, Inc
Classification: Likely pathogenic for Medium-chain acyl-coenzyme A dehydrogenase deficiency. Review status: criteria provided, single submitter. Criteria: ACMG Guidelines, 2015. Collection method: clinical testing. Allele origin: germline. Affected: yes.
Comment: Absent from controls (or at extremely low frequency if recessive) in Genome Aggregation Database, Exome Sequencing Project, 1000 Genomes Project, or Exome Aggregation Consortium.;For recessive disorders, detected in trans with a pathogenic variant.;Novel missense change at an amino acid residue where a different missense change determined to be pathogenic has been seen before.;Multiple lines of computational evidence support a deleterious effect on the gene or gene product (conservation, evolutionary, splicing impact, etc).;Patient's phenotype or family history is highly specific for a disease with a single genetic etiology.

NM_000016.6(ACADM):c.157C>G (p.Arg53Gly)

Gene: ACADM (acyl-CoA dehydrogenase medium chain; plus strand). Cytogenetic location: 1p31.1.
Variant type: single nucleotide variant.
Coding change: c.157C>G on transcript NM_000016.6 (MANE Select); coding-DNA position 157, C replaced by G.
Protein change: p.Arg53Gly; replaces arginine 53 with glycine.
Molecular consequence: missense variant. On other transcripts: 5 prime UTR variant (1).
Genome position (GRCh38, 1-based): chr1:75,732,682, C>G. VCF-style: chr1-75732682-C-G. GRCh37 (hg19) VCF-style: chr1-76198367-C-G.
Other names: c.169C>G, p.Arg57Gly (NM_001127328.3); c.49C>G, p.Arg17Gly (NM_001286042.2); c.157C>G, p.Arg53Gly (NM_001286043.2); c.-229C>G (NM_001286044.2); short protein forms R17G, R53G, R57G.
Identifiers: ClinVar variation 3383028 (VCV003383028.2).
Genomic context (GRCh38, chr1:75,732,682, plus strand): 5'-TTTCTAAATAATTTTCCCTTAGAGTTCACCGAACAGCAGAAAGAATTTCAAGCTACTGCT[C>G]GTAAATTTGCCAGAGAGGAAATCATCCCAGTGGCTGCAGAATATGATAAAACTGGTGAAG-3'
Protein context (NP_000007.1, residues 43-63): EQQKEFQATA[Arg53Gly]KFAREEIIPV